The following is an entry in ClinVar:

ClinVar aggregate classification (germline): Uncertain significance (1 of 4 stars; one submission).

Conditions:
Duchenne muscular dystrophy (DMD). Also called: MUSCULAR DYSTROPHY, PSEUDOHYPERTROPHIC PROGRESSIVE, DUCHENNE TYPE; Duchenne Muscular Dystrophy (DMD). Identifiers: Orphanet 98896, MedGen C0013264, MONDO:0010679, OMIM 310200.

gnomAD v4.1: 2 of 1,208,509 alleles (0.00017%); highest among the groups gnomAD compares: Non-Finnish European, 0.00022%; no homozygotes.

Submission:

Labcorp Genetics (formerly Invitae), Labcorp
Classification: Uncertain significance for Duchenne muscular dystrophy. Last evaluated: 2024-06-20. Review status: criteria provided, single submitter. Criteria: Invitae Variant Classification Sherloc (09022015). Collection method: clinical testing. Allele origin: germline.
Comment: This sequence change replaces lysine, which is basic and polar, with arginine, which is basic and polar, at codon 1132 of the DMD protein (p.Lys1132Arg). This variant is not present in population databases (gnomAD no frequency). This variant has not been reported in the literature in individuals affected with DMD-related conditions. Advanced modeling of protein sequence and biophysical properties (such as structural, functional, and spatial information, amino acid conservation, physicochemical variation, residue mobility, and thermodynamic stability) performed at Invitae indicates that this missense variant is not expected to disrupt DMD protein function with a negative predictive value of 95%. In summary, the available evidence is currently insufficient to determine the role of this variant in disease. Therefore, it has been classified as a Variant of Uncertain Significance.

NM_004006.3(DMD):c.3395A>G (p.Lys1132Arg)

Gene: DMD (dystrophin; minus strand). Cytogenetic location: Xp21.1.
Variant type: single nucleotide variant.
Coding change: c.3395A>G on transcript NM_004006.3 (MANE Select); coding-DNA position 3395, A replaced by G.
Protein change: p.Lys1132Arg; replaces lysine 1132 with arginine.
Molecular consequence: missense variant.
Genome position (GRCh38, 1-based): chrX:32,463,476, T>C on the plus strand (A>G on the coding strand, the complement: DMD is on the minus strand). VCF-style: chrX-32463476-T-C. GRCh37 (hg19) VCF-style: chrX-32481593-T-C.
Other names: c.3371A>G, p.Lys1124Arg (NM_000109.4); c.3383A>G, p.Lys1128Arg (NM_004009.3); c.3026A>G, p.Lys1009Arg (NM_004010.3); short protein forms K1128R, K1132R, K1124R, K1009R.
Identifiers: ClinVar variation 3704080 (VCV003704080.2).
Genomic context (GRCh38, chrX:32,463,476, plus strand): 5'-ACAGTGAAAGAGATTGTCTATACCTGTTGGCACATGTGATCCCACTGAGTGTTAAGTTCT[T>C]TGAGTTCTGTCTCAAGTCTCGAAGCAAACTCTGGCTCTGCTTCATTCTTTATCTTCTGCC-3'
Protein context (NP_003997.2, residues 1122-1142): EFASRLETEL[Lys1132Arg]ELNTQWDHMC